The following is an entry in ClinVar:

NM_201596.3(CACNB2):c.403G>T (p.Val135Leu)

Gene: CACNB2 (calcium voltage-gated channel auxiliary subunit beta 2; plus strand). Cytogenetic location: 10p12.31.
Variant type: single nucleotide variant.
Coding change: c.403G>T on transcript NM_201596.3 (MANE Select); coding-DNA position 403, G replaced by T.
Protein change: p.Val135Leu; replaces valine 135 with leucine.
Molecular consequence: missense variant.
Genome position (GRCh38, 1-based): chr10:18,498,424, G>T. VCF-style: chr10-18498424-G-T. GRCh37 (hg19) VCF-style: chr10-18787353-G-T.
Other names: c.238G>T, p.Val80Leu (NM_000724.4, NM_001330060.2); c.319G>T, p.Val107Leu (NM_001167945.2, NM_201571.4, NM_201572.4); c.259G>T, p.Val87Leu (NM_201570.3); c.241G>T, p.Val81Leu (NM_201590.3); c.403G>T, p.Val135Leu (NM_201593.3, NM_201597.3); short protein forms V81L, V135L, V107L, V80L, V87L.
Identifiers: ClinVar variation 411703 (VCV000411703.6), dbSNP rs1060503435, ClinGen allele CA16612761.
Genomic context (GRCh38, chr10:18,498,424, plus strand): 5'-GTTGCATTTGCGGTTCGGACAAATGTCAGCTACAGTGCGGCCCATGAAGATGATGTTCCA[G>T]TGCCTGGCATGGCCATCTCATTCGAAGCAAAAGATTTTCTGCATGTTAAGGAAGTAAGGA-3'
Protein context (NP_963890.2, residues 125-145): YSAAHEDDVP[Val135Leu]PGMAISFEAK

ClinVar aggregate classification (germline): Uncertain significance. Review status: criteria provided, multiple submitters, no conflicts (2 of 4 stars). 2 submissions from 2 submitters: Uncertain significance (2). Last evaluated 2023-09-26.

Conditions:
Brugada syndrome 4 (BRGDA4). Identifiers: Orphanet 130, MedGen C2678477, MONDO:0012743, OMIM 611876.
Cardiovascular phenotype. Identifiers: MedGen CN230736.

Allele frequency attached by ClinVar (database versions not stated): gnomAD exomes below 0.00001; TOPMed below 0.00001; gnomAD 0.00001.
gnomAD v4.1: 3 of 1,613,982 alleles (0.00019%); highest among the groups gnomAD compares: Non-Finnish European, 0.00025%; no homozygotes.

Submissions (2):

Ambry Genetics
Classification: Uncertain significance for Cardiovascular phenotype. Last evaluated: 2023-09-26. Review status: criteria provided, single submitter. Criteria: Ambry Variant Classification Scheme 2023. Collection method: clinical testing. Allele origin: germline.
Comment: The p.V81L variant (also known as c.241G>T), located in coding exon 3 of the CACNB2 gene, results from a G to T substitution at nucleotide position 241. The valine at codon 81 is replaced by leucine, an amino acid with highly similar properties. This amino acid position is highly conserved in available vertebrate species. In addition, this alteration is predicted to be deleterious by in silico analysis. The evidence for this gene-disease relationship is limited; therefore, the clinical significance of this alteration is unclear.

Labcorp Genetics (formerly Invitae), Labcorp
Classification: Uncertain significance for Brugada syndrome 4. Last evaluated: 2021-09-02. Review status: criteria provided, single submitter. Criteria: Invitae Variant Classification Sherloc (09022015). Collection method: clinical testing. Allele origin: germline.
Comment: This sequence change replaces valine with leucine at codon 81 of the CACNB2 protein (p.Val81Leu). The valine residue is highly conserved and there is a small physicochemical difference between valine and leucine. This variant is not present in population databases (ExAC no frequency). This variant has not been reported in the literature in individuals affected with CACNB2-related conditions. Algorithms developed to predict the effect of missense changes on protein structure and function are either unavailable or do not agree on the potential impact of this missense change (SIFT: "Deleterious"; PolyPhen-2: "Possibly Damaging"; Align-GVGD: "Class C0"). In summary, the available evidence is currently insufficient to determine the role of this variant in disease. Therefore, it has been classified as a Variant of Uncertain Significance.